The following is an entry in ClinVar:

NM_020207.7(ERCC6L2):c.1478G>A (p.Ser493Asn)

Gene: ERCC6L2 (ERCC excision repair 6 like 2; plus strand). Cytogenetic location: 9q22.32.
Variant type: single nucleotide variant.
Coding change: c.1478G>A on transcript NM_020207.7 (MANE Select); coding-DNA position 1478, G replaced by A.
Protein change: p.Ser493Asn; replaces serine 493 with asparagine.
Molecular consequence: missense variant. On other transcripts: non-coding transcript variant (1).
Genome position (GRCh38, 1-based): chr9:95,923,324, G>A. VCF-style: chr9-95923324-G-A. GRCh37 (hg19) VCF-style: chr9-98685606-G-A.
Other names: c.1478G>A, p.Ser493Asn (NM_001375294.1, NM_001375291.1, NM_001375292.1 and 2 more transcripts); short protein forms S493N.
Identifiers: ClinVar variation 1701574 (VCV001701574.36), dbSNP rs148305949, ClinGen allele CA5139577.

ClinVar aggregate classification (germline): Uncertain significance. Review status: criteria provided, multiple submitters, no conflicts (2 of 4 stars). 4 submissions from 4 submitters: Uncertain significance (4). Last evaluated 2025-04-08.

Conditions:
Inborn genetic diseases. Identifiers: MedGen C0950123, MeSH D030342.

Allele frequency attached by ClinVar (database versions not stated): gnomAD 0.00001 and 0.00004; TOPMed 0.00002; gnomAD exomes 0.00007 and 0.00013; ESP Exome Variant Server 0.00008; 1000 Genomes Project 30x 0.00016; ExAC 0.00016; 1000 Genomes Project 0.00020.
gnomAD v4.1: 102 of 1,613,892 alleles (0.0063%); highest among the groups gnomAD compares: South Asian, 0.11%; no homozygotes.

Submissions (4):

Ambry Genetics
Classification: Uncertain significance for Inborn genetic diseases. Last evaluated: 2025-04-08. Review status: criteria provided, single submitter. Criteria: Ambry Variant Classification Scheme 2023. Collection method: clinical testing. Allele origin: germline.

Blueprint Genetics
Classification: Uncertain significance. Last evaluated: 2024-03-18. Review status: criteria provided, single submitter. Criteria: ACMG Guidelines, 2015. Collection method: clinical testing. Allele origin: germline.

Labcorp Genetics (formerly Invitae), Labcorp
Classification: Uncertain significance. Last evaluated: 2024-02-23. Review status: criteria provided, single submitter. Criteria: Invitae Variant Classification Sherloc (09022015). Collection method: clinical testing. Allele origin: germline.
Comment: This sequence change replaces serine, which is neutral and polar, with asparagine, which is neutral and polar, at codon 504 of the ERCC6L2 protein (p.Ser504Asn). This variant is present in population databases (rs148305949, gnomAD 0.1%). This variant has not been reported in the literature in individuals affected with ERCC6L2-related conditions. ClinVar contains an entry for this variant (Variation ID: 1701574). Experimental studies and prediction algorithms are not available or were not evaluated, and the functional significance of this variant is currently unknown. In summary, the available evidence is currently insufficient to determine the role of this variant in disease. Therefore, it has been classified as a Variant of Uncertain Significance.

CeGaT Center for Human Genetics Tuebingen
Classification: Uncertain significance. Last evaluated: 2022-07-01. Review status: criteria provided, single submitter. Criteria: CeGaT Center For Human Genetics Tuebingen Variant Classification Criteria Version 2. Collection method: clinical testing. Allele origin: germline. Affected: yes. Observed: 1 variant allele.